The following is an entry in ClinVar:

NM_007294.4(BRCA1):c.147G>A (p.Leu49=)

Gene: BRCA1 (BRCA1 DNA repair associated; minus strand). Cytogenetic location: 17q21.31.
Variant type: single nucleotide variant.
Coding change: c.147G>A on transcript NM_007294.4 (MANE Select); coding-DNA position 147, G replaced by A.
Protein change: p.Leu49=; no amino-acid change (leucine 49 retained).
Molecular consequence: synonymous variant. On other transcripts: 5 prime UTR variant (61), intron variant (34).
Genome position (GRCh38, 1-based): chr17:43,106,521, C>T on the plus strand (G>A on the coding strand, the complement: BRCA1 is on the minus strand). VCF-style: chr17-43106521-C-T. GRCh37 (hg19) VCF-style: chr17-41258538-C-T.
Other names: c.-42G>A (NM_001407571.1, NM_001407882.1, NM_001407884.1 and 58 more transcripts); c.147G>A, p.Leu49= (NM_001407581.1, NM_001407582.1, NM_001407583.1 and 168 more transcripts); c.6G>A, p.Leu2= (NM_001407727.1, NM_001407728.1, NM_001407729.1 and 99 more transcripts); c.135-1565G>A (NM_001407663.1, NM_001407658.1, NM_001407653.1 and 21 more transcripts); c.-169-1565G>A (NM_001407965.1, NM_001407959.1, NM_001407962.1 and 4 more transcripts); c.-218-11661G>A (NM_001407967.1, NM_001407966.1); c.81-1565G>A (NM_001408451.1).
Identifiers: ClinVar variation 482886 (VCV000482886.19), dbSNP rs1555597297, ClinGen allele CA500128224.
Genomic context (GRCh38, chr17:43,106,521, plus strand): 5'-GGTTATATCATTCTTACATAAAGGACACTGTGAAGGCCCTTTCTTCTGGTTGAGAAGTTT[C>T]AGCATGCAAAATCTATAAATTATAAAGAAAGAAAGAACAATTTAATTTACTTCCTTTTGT-3'
Protein context (NP_009225.1, residues 39-59): CDHIFCKFCM[Leu49=]KLLNQKKGPS

ClinVar aggregate classification (germline): Conflicting classifications of pathogenicity. Review status: criteria provided, conflicting classifications (1 of 4 stars). 3 submissions from 3 submitters: Uncertain significance (1); Likely benign (2). Last evaluated 2026-08-17.

Conditions:
Hereditary breast ovarian cancer syndrome. Also called: Hereditary breast and/or ovarian cancer syndrome; BRCA1- and BRCA2-Associated Hereditary Breast and Ovarian Cancer; Hereditary breast and ovarian cancer syndrome; Breast and ovarian cancer; Hereditary breast and ovarian cancer; Hereditary breast and ovarian cancer syndrome (HBOC). Identifiers: Orphanet 145, MedGen C0677776, MeSH D061325, MONDO:0003582. Disease mechanism: loss of function.
Hereditary cancer-predisposing syndrome. Also called: Neoplastic Syndromes, Hereditary; Hereditary neoplastic syndrome; Hereditary Cancer Syndrome; Tumor predisposition. Identifiers: Orphanet 140162, MedGen C0027672, MeSH D009386, MONDO:0015356.

Submissions (4):

Ambry Genetics
Classification: Uncertain significance for Hereditary cancer-predisposing syndrome. Last evaluated: 2026-08-17. Review status: criteria provided, single submitter. Criteria: Ambry Variant Classification Scheme 2023. Collection method: clinical testing. Allele origin: germline.
Comment: The c.147G>A variant (also known as p.L49L), located in coding exon 3 of the BRCA1 gene, results from a G to A substitution at nucleotide position 147. This nucleotide substitution does not change the leucine at codon 49. This nucleotide position is highly conserved in available vertebrate species. In silico splice site analysis predicts that this alteration may weaken the native splice acceptor site. RNA studies have demonstrated that this variant results in an incomplete splice defect; the clinical impact of this abnormal splicing is unknown at this time (Ambry internal data). One functional study found that this nucleotide substitution is functional in a high throughput genome editing haploid cell survival assay (Findlay, GM et al. Nature 2018 Oct;562(7726):217-222). Based on the available evidence, the clinical significance of this variant remains unclear.

Labcorp Genetics (formerly Invitae), Labcorp
Classification: Likely benign for Hereditary breast ovarian cancer syndrome. Last evaluated: 2022-07-09. Review status: criteria provided, single submitter. Criteria: Invitae Variant Classification Sherloc (09022015). Collection method: clinical testing. Allele origin: germline.

Sema4
Classification: Likely benign for Hereditary cancer-predisposing syndrome. Last evaluated: 2020-12-18. Review status: criteria provided, single submitter. Criteria: Sema4 Curation Guidelines. Collection method: curation. Allele origin: germline.

Brotman Baty Institute, University of Washington
No classification provided (evidence only). Condition: Breast-ovarian cancer, familial 1. Review status: no classification provided. Collection method: in vitro. Allele origin: not applicable. Functional consequence: functionally_normal. Not counted in ClinVar's aggregate classification.
ClinVar note: "not provided" was previously submitted as the classification for the variant. However, the classification appeared to be based only on an observation of functional data so it was converted to no classification on 2025-07-30.

Literature cited by the submitters: PubMed 30209399 (cited by Ambry Genetics).